The following is an entry in ClinVar:

NM_032043.3(BRIP1):c.3358G>A (p.Asp1120Asn)

Gene: BRIP1 (BRCA1 interacting DNA helicase 1; minus strand). Cytogenetic location: 17q23.2.
Variant type: single nucleotide variant.
Coding change: c.3358G>A on transcript NM_032043.3 (MANE Select); coding-DNA position 3358, G replaced by A.
Protein change: p.Asp1120Asn; replaces aspartic acid 1120 with asparagine.
Molecular consequence: missense variant.
Genome position (GRCh38, 1-based): chr17:61,683,688, C>T on the plus strand (G>A on the coding strand, the complement: BRIP1 is on the minus strand). VCF-style: chr17-61683688-C-T. GRCh37 (hg19) VCF-style: chr17-59761049-C-T.
Other names: short protein forms D1120N.
Identifiers: ClinVar variation 530309 (VCV000530309.9), dbSNP rs1555572663, ClinGen allele CA400478905.

ClinVar aggregate classification (germline): Uncertain significance (1 of 4 stars; one submission).

Conditions:
Fanconi anemia complementation group J. Also called: BRIP1-Related Fanconi Anemia. Identifiers: Orphanet 84, MedGen C1836860, MONDO:0012187, OMIM 609054.
Familial cancer of breast. Also called: BREAST CANCER, FAMILIAL; hereditary breast carcinoma; Hereditary breast cancer. Identifiers: Orphanet 227535, MedGen C0346153, MONDO:0016419, OMIM 114480. Disease mechanism: loss of function.

Submission:

Labcorp Genetics (formerly Invitae), Labcorp
Classification: Uncertain significance for Familial cancer of breast; Fanconi anemia complementation group J. Last evaluated: 2017-08-02. Review status: criteria provided, single submitter. Criteria: Invitae Variant Classification Sherloc (09022015). Collection method: clinical testing. Allele origin: germline.
Comment: In summary, the available evidence is currently insufficient to determine the role of this variant in disease. Therefore, it has been classified as a Variant of Uncertain Significance. Algorithms developed to predict the effect of missense changes on protein structure and function (SIFT, PolyPhen-2, Align-GVGD) all suggest that this variant is likely to be tolerated, but these predictions have not been confirmed by published functional studies and their clinical significance is uncertain. This variant has not been reported in the literature in individuals with BRIP1-related disease. This variant is not present in population databases (ExAC no frequency). This sequence change replaces aspartic acid with asparagine at codon 1120 of the BRIP1 protein (p.Asp1120Asn). The aspartic acid residue is weakly conserved and there is a small physicochemical difference between aspartic acid and asparagine.